The following is an entry in ClinVar:

NM_000642.3(AGL):c.4318_4320del (p.Ala1440del)

Gene: AGL (amylo-alpha-1,6-glucosidase and 4-alpha-glucanotransferase; plus strand). Cytogenetic location: 1p21.2.
Variant type: Deletion.
Coding change: c.4318_4320del on transcript NM_000642.3 (MANE Select); coding-DNA positions 4318 to 4320, 3 bases deleted (GCT; older notation c.4318_4320delGCT).
Protein change: p.Ala1440del; deletes alanine 1440.
Molecular consequence: inframe deletion.
Genome position (GRCh38, 1-based): chr1:99,916,468-99,916,470, GCT deleted; deleting any 3 consecutive bases within chr1:99,916,467-99,916,470 gives the same sequence; the c. name uses the placement nearest the transcript's 3' end. VCF-style (leftmost placement, unchanged base first): chr1-99916466-TTGC-T. GRCh37 (hg19) VCF-style: chr1-100382022-TTGC-T.
Other names: c.4318_4320del, p.Ala1440del (NM_000028.3, NM_000643.3, NM_000644.3 and 1 more transcripts); c.4270_4272del, p.Ala1424del (NM_000646.3); c.4297_4299del, p.Ala1433del (NM_001425326.1); c.4117_4119del, p.Ala1373del (NM_001425327.1); c.4114_4116del, p.Ala1372del (NM_001425328.1); c.3979_3981del, p.Ala1327del (NM_001425329.1); c.3940_3942del, p.Ala1314del (NM_001425332.1); short protein forms A1372del, A1424del, A1440del, A1314del, A1327del, A1373del, A1433del.
Identifiers: ClinVar variation 5004745 (VCV005004745.1).

ClinVar aggregate classification (germline): Uncertain significance (1 of 4 stars; one submission).

Conditions:
Glycogen storage disease type III (GSD3). Also called: Cori disease; FORBES DISEASE. Identifiers: Orphanet 366, MedGen C0017922, MONDO:0009291, OMIM 232400.

Submission:

Myriad Genetics, Inc.
Classification: Uncertain significance for Glycogen storage disease type III. Last evaluated: 2026-06-26. Review status: criteria provided, single submitter. Criteria: Myriad Autosomal Dominant, Autosomal Recessive and X-Linked Classification Criteria (2023). Collection method: clinical testing. Allele origin: unknown.
Comment: NM_000642.2(AGL):c.4318_4320delGCT(A1440del) is an in-frame deletion classified as a variant of uncertain significance in the context of glycogen storage disease type III. A1440del has not been observed in cases with relevant disease. Relevant functional assessments of this variant are not available in the literature. A1440del has not been observed in referenced population frequency databases. In summary, there is insufficient evidence to classify NM_000642.2(AGL):c.4318_4320delGCT(A1440del) as pathogenic or benign. Please note: this variant was assessed in the context of healthy population screening.